The following is an entry in ClinVar:

NM_020778.5(ALPK3):c.917G>A (p.Arg306Lys)

Gene: ALPK3 (alpha kinase 3; plus strand). Cytogenetic location: 15q25.3.
Variant type: single nucleotide variant.
Coding change: c.917G>A on transcript NM_020778.5 (MANE Select); coding-DNA position 917, G replaced by A.
Protein change: p.Arg306Lys; replaces arginine 306 with lysine.
Molecular consequence: missense variant.
Genome position (GRCh38, 1-based): chr15:84,840,196, G>A. VCF-style: chr15-84840196-G-A. GRCh37 (hg19) VCF-style: chr15-85383427-G-A.
Other names: short protein forms R306K.
Identifiers: ClinVar variation 1470821 (VCV001470821.6), dbSNP rs2141556751, ClinGen allele CA393373773.

ClinVar aggregate classification (germline): Uncertain significance (1 of 4 stars; one submission).

Submission:

Labcorp Genetics (formerly Invitae), Labcorp
Classification: Uncertain significance. Last evaluated: 2022-06-13. Review status: criteria provided, single submitter. Criteria: Invitae Variant Classification Sherloc (09022015). Collection method: clinical testing. Allele origin: germline.
Comment: Algorithms developed to predict the effect of missense changes on protein structure and function output the following: SIFT: "Tolerated"; PolyPhen-2: "Benign"; Align-GVGD: "Class C0". The lysine amino acid residue is found in multiple mammalian species, which suggests that this missense change does not adversely affect protein function. In summary, the available evidence is currently insufficient to determine the role of this variant in disease. Therefore, it has been classified as a Variant of Uncertain Significance. This variant has not been reported in the literature in individuals affected with ALPK3-related conditions. This variant is not present in population databases (gnomAD no frequency). This sequence change replaces arginine, which is basic and polar, with lysine, which is basic and polar, at codon 508 of the ALPK3 protein (p.Arg508Lys).